The following is an entry in ClinVar:

NC_000017.11:g.47307469AG[1]

Genes: EFCAB13-DT (EFCAB13 divergent transcript; minus strand), ITGB3 (integrin subunit beta 3; plus strand). Cytogenetic location: 17q21.32.
Variant type: Microsatellite.
Genome position: GRCh38 VCF-style: chr17-47307468-CAG-C. GRCh37 (hg19) VCF-style: chr17-45384834-CAG-C.
Identifiers: ClinVar variation 3020851 (VCV003020851.3), dbSNP rs768881769, ClinGen allele CA8623462.

ClinVar aggregate classification (germline): Pathogenic (1 of 4 stars; one submission).

Submission:

Labcorp Genetics (formerly Invitae), Labcorp
Classification: Pathogenic. Last evaluated: 2023-12-28. Review status: criteria provided, single submitter. Criteria: Invitae Variant Classification Sherloc (09022015). Collection method: clinical testing. Allele origin: germline.
Comment: This sequence change creates a premature translational stop signal (p.Glu712Valfs*6) in the ITGB3 gene. It is expected to result in an absent or disrupted protein product. Loss-of-function variants in ITGB3 are known to be pathogenic (PMID: 21917754). This variant is present in population databases (rs768881769, gnomAD 0.003%). This variant has not been reported in the literature in individuals affected with ITGB3-related conditions. Algorithms developed to predict the effect of sequence changes on RNA splicing suggest that this variant may disrupt the consensus splice site. For these reasons, this variant has been classified as Pathogenic.

Literature cited by the submitters: PubMed 21917754.